The following is an entry in ClinVar:

NM_024422.6(DSC2):c.663T>A (p.Tyr221Ter)

Gene: DSC2 (desmocollin 2; minus strand). Cytogenetic location: 18q12.1.
Variant type: single nucleotide variant.
Coding change: c.663T>A on transcript NM_024422.6 (MANE Select); coding-DNA position 663, T replaced by A.
Protein change: p.Tyr221Ter; replaces tyrosine 221 with a stop codon.
Molecular consequence: nonsense.
Genome position (GRCh38, 1-based): chr18:31,087,781, A>T on the plus strand (T>A on the coding strand, the complement: DSC2 is on the minus strand). VCF-style: chr18-31087781-A-T. GRCh37 (hg19) VCF-style: chr18-28667744-A-T.
Other names: p.Y221*:TAT>TAA; c.663T>A, p.Tyr221Ter (NM_004949.5); short protein forms Y221*.
Identifiers: ClinVar variation 162504 (VCV000162504.19), dbSNP rs145476705, ClinGen allele CA022885.
Genomic context (GRCh38, chr18:31,087,781, plus strand): 5'-TGGGTAGTTATCATTTTCATCCTCTATTTTGATTATTAGGGGCAGTGGAAGTTCTGGAGT[A>T]TACCCATCTGGAGTTGTTGCAAAGGCAATTATCTGTGAAGAGAGTAAAATAAGGAGAAAA-3'

ClinVar aggregate classification (germline): Pathogenic/Likely pathogenic. Review status: criteria provided, multiple submitters, no conflicts (2 of 4 stars). 5 submissions from 5 submitters: Pathogenic (3); Likely pathogenic (2). Last evaluated 2025-12-17.

Conditions:
Cardiovascular phenotype. Identifiers: MedGen CN230736.
Arrhythmogenic right ventricular cardiomyopathy (ARVD). Also called: Arrhythmogenic Right Ventricular Cardiomyopathy (ARVC); Cardiomyopathy, ARVC; Arrhythmogenic right ventricular dysplasia; Arrhythmogenic cardiomyopathy. Identifiers: Orphanet 247, MedGen C0349788, MeSH D019571, MONDO:0016587. Disease mechanism: loss of function. Inheritance: Various modes of inheritance.
Arrhythmogenic right ventricular dysplasia 11. Also called: ARRHYTHMOGENIC RIGHT VENTRICULAR DYSPLASIA, FAMILIAL, 11; Arrhythmogenic right ventricular dysplasia 11 with mild palmoplantar keratoderma and woolly hair; Arrhythmogenic Right Ventricular Dysplasia/Cardiomyopathy11. Identifiers: MedGen C1864850, MONDO:0012506, OMIM 610476.

Allele frequency attached by ClinVar (database versions not stated): gnomAD 0.00003 and 0.00002; TOPMed 0.00001; ESP Exome Variant Server 0.00008.
gnomAD v4.1: 3 of 1,613,848 alleles (0.00019%); highest among the groups gnomAD compares: African/African-American, 0.004%; no homozygotes.

Submissions (5):

Labcorp Genetics (formerly Invitae), Labcorp
Classification: Pathogenic for Arrhythmogenic right ventricular dysplasia 11. Last evaluated: 2025-12-17. Review status: criteria provided, single submitter. Criteria: Invitae Variant Classification Sherloc (09022015). Collection method: clinical testing. Allele origin: germline.
Comment: This sequence change creates a premature translational stop signal (p.Tyr221*) in the DSC2 gene. It is expected to result in an absent or disrupted protein product. Loss-of-function variants in DSC2 are known to be pathogenic (PMID: 23911551). This variant is present in population databases (rs145476705, gnomAD 0.008%). This variant has not been reported in the literature in individuals affected with DSC2-related conditions. ClinVar contains an entry for this variant (Variation ID: 162504). For these reasons, this variant has been classified as Pathogenic.

Ambry Genetics
Classification: Pathogenic for Cardiovascular phenotype. Last evaluated: 2025-09-22. Review status: criteria provided, single submitter. Criteria: Ambry Variant Classification Scheme 2023. Collection method: clinical testing. Allele origin: germline.
Comment: The c.663T>A (p.Y221*) alteration, located in exon 6 (coding exon 6) of the DSC2 gene, consists of a T to A substitution at nucleotide position 663. This changes the amino acid from a tyrosine (Y) to a stop codon at amino acid position 221. This alteration is expected to result in loss of function by premature protein truncation or nonsense-mediated mRNA decay. Based on data from gnomAD, the A allele has an overall frequency of 0.001% (2/282652) total alleles studied. The highest observed frequency was 0.008% (2/24950) of African alleles. Based on the available evidence, this alteration is classified as pathogenic.

GeneDx
Classification: Likely pathogenic. Last evaluated: 2025-09-13. Review status: criteria provided, single submitter. Criteria: GeneDx Variant Classification Process June 2021. Collection method: clinical testing. Allele origin: germline. Affected: yes.
Comment: Observed in presumably presymptomatic individuals selected for population genetic screening studies; no clinical information was provided (PMID: 31638835, 31402444, 24055113); Nonsense variant predicted to result in protein truncation or nonsense mediated decay in a gene for which loss of function is a known mechanism of disease; Not observed at significant frequency in large population cohorts (gnomAD); This variant is associated with the following publications: (PMID: 31402444, 24055113, 33684294, 39096151, 31638835, 34316868)

Dasa
Classification: Pathogenic. Last evaluated: 2025-04-08. Review status: criteria provided, single submitter. Criteria: DASA Assertion Criteria. Collection method: clinical testing. Allele origin: germline.
Comment: NM_024422.6(DSC2):c.663T>A (p.Tyr221*) introduces a premature termination codon predicted to result in loss of normal protein function. Loss-of-function is an established mechanism of disease for this gene. The variant is present at low frequency in population datasets. Based on the available data, this variant is classified as pathogenic.

CSER _CC_NCGL, University of Washington
Classification: Likely pathogenic for Arrhythmogenic right ventricular dysplasia. Last evaluated: 2014-06-01. Review status: criteria provided, single submitter. Criteria: Amendola et al. (Genome Res. 2015). Collection method: research. Allele origin: germline. Inheritance: Autosomal dominant inheritance. Study: ESP 6500 variant annotation.
Comment: Variants classified for the Actionable exomic incidental findings in 6503 participants: challenges of variant classification manuscript

Literature cited by the submitters: PubMed 23911551 (cited by Labcorp Genetics (formerly Invitae), Labcorp).